The following is an entry in ClinVar:

ClinVar aggregate classification (germline): Likely benign. Review status: reviewed by expert panel (3 of 4 stars). 6 submissions from 6 submitters: Likely benign (1). 5 of the submissions do not count toward it. Last evaluated 2024-09-10.

Conditions:
RUNX1-related disorder. Also called: RUNX1-related condition.
Inborn genetic diseases. Identifiers: MedGen C0950123, MeSH D030342.
Hereditary thrombocytopenia and hematologic cancer predisposition syndrome. Identifiers: Orphanet 71290, MedGen CN281654, MONDO:0011071.
Hereditary thrombocytopenia and hematological cancer predisposition syndrome associated with RUNX1. Also called: RUNX1 Familial Platelet Disorder with Associated Myeloid Malignancies; Familial Platelet Disorder with Propensity to Acute Myelogenous Leukemia; Familial thrombocytopenia with propensity to acute myelogenous leukemia; PLATELET DISORDER, ASPIRIN-LIKE. Identifiers: Orphanet 71290, MedGen C1832388, MeSH C563324, MONDO:0100083, OMIM 601399.

Allele frequency attached by ClinVar (database versions not stated): TOPMed below 0.00001; gnomAD 0.00001.
gnomAD v4.1: 499 of 1,512,964 alleles (0.033%); highest among the groups gnomAD compares: Middle Eastern, 0.14%; no homozygotes.

Submissions (6):

ClinGen Myeloid Malignancy Variant Curation Expert Panel
Classification: Likely benign for Hereditary thrombocytopenia and hematologic cancer predisposition syndrome. Last evaluated: 2024-09-10. Review status: reviewed by expert panel. Criteria: ClinGen MyeloMalig ACMG Specifications v2. Collection method: curation. Allele origin: germline. Inheritance: Autosomal dominant inheritance.
Comment: NM_001754.5(RUNX1):c.1263C>G (p.Gly421=) is a synonymous variant which has a SpliceAI score ≤ 0.20 (0.0) (BP4). This variant has a SpliceAI score ≤ 0.20 (0.0) and evolutionary conservation algorithms predict the site as not being conserved (PhyloP score ≤ 2.0 (-0.25)) (BP7). In summary, this variant meets criteria to be classified as likely benign. ACMG/AMP criteria applied, as specified by the Myeloid Malignancy Variant Curation Expert Panel for RUNX1: BP4, BP7.

Labcorp Genetics (formerly Invitae), Labcorp
Classification: Likely benign for Hereditary thrombocytopenia and hematological cancer predisposition syndrome associated with RUNX1. Last evaluated: 2025-12-18. Review status: criteria provided, single submitter. Criteria: Invitae Variant Classification Sherloc (09022015). Collection method: clinical testing. Allele origin: germline. Not counted in ClinVar's aggregate classification.

CeGaT Center for Human Genetics Tuebingen
Classification: Likely benign. Last evaluated: 2025-04-01. Review status: criteria provided, single submitter. Criteria: CeGaT Center For Human Genetics Tuebingen Variant Classification Criteria Version 2. Collection method: clinical testing. Allele origin: germline. Affected: yes. Observed: 1 variant allele. Not counted in ClinVar's aggregate classification.
Comment: RUNX1: BP4, BP7

Ambry Genetics
Classification: Likely benign for Inborn genetic diseases. Last evaluated: 2024-11-28. Review status: criteria provided, single submitter. Criteria: Ambry Variant Classification Scheme 2023. Collection method: clinical testing. Allele origin: germline. Not counted in ClinVar's aggregate classification.

Breakthrough Genomics
Classification: Likely benign. Review status: criteria provided, single submitter. Criteria: ACMG Guidelines, 2015. Collection method: not provided. Allele origin: germline. Inheritance: Autosomal dominant inheritance. Affected: yes. Not counted in ClinVar's aggregate classification.

PreventionGenetics, part of Exact Sciences
Classification: Likely benign for RUNX1-related condition. Last evaluated: 2021-11-17. Review status: no assertion criteria provided. Collection method: clinical testing. Allele origin: germline. Not counted in ClinVar's aggregate classification.
Comment: This variant is classified as likely benign based on ACMG/AMP sequence variant interpretation guidelines (Richards et al. 2015 PMID: 25741868, with internal and published modifications).

NM_001754.5(RUNX1):c.1263C>G (p.Gly421=)

Gene: RUNX1 (RUNX family transcription factor 1; minus strand). Cytogenetic location: 21q22.12.
Variant type: single nucleotide variant.
Coding change: c.1263C>G on transcript NM_001754.5 (MANE Select); coding-DNA position 1263, C replaced by G.
Protein change: p.Gly421=; no amino-acid change (glycine 421 retained).
Molecular consequence: synonymous variant.
Genome position (GRCh38, 1-based): chr21:34,792,315, G>C on the plus strand (C>G on the coding strand, the complement: RUNX1 is on the minus strand). VCF-style: chr21-34792315-G-C. GRCh37 (hg19) VCF-style: chr21-36164612-G-C.
Other names: NM_001754.5(RUNX1):c.1263C>G; p.Gly421=; c.1263C>G (NM_001754.4); c.1182C>G, p.Gly394= (NM_001001890.3).
Identifiers: ClinVar variation 1527989 (VCV001527989.20), dbSNP rs1055307, ClinGen allele CA320251351.